The following is an entry in ClinVar:

NM_024306.5(FA2H):c.821C>A (p.Pro274His)

Gene: FA2H (fatty acid 2-hydroxylase; minus strand). Cytogenetic location: 16q23.1.
Variant type: single nucleotide variant.
Coding change: c.821C>A on transcript NM_024306.5 (MANE Select); coding-DNA position 821, C replaced by A.
Protein change: p.Pro274His; replaces proline 274 with histidine.
Molecular consequence: missense variant.
Genome position (GRCh38, 1-based): chr16:74,716,565, G>T on the plus strand (C>A on the coding strand, the complement: FA2H is on the minus strand). VCF-style: chr16-74716565-G-T. GRCh37 (hg19) VCF-style: chr16-74750463-G-T.
Other names: short protein forms P274H.
Identifiers: ClinVar variation 1684570 (VCV001684570.2), dbSNP rs1263931890, ClinGen allele CA396769270.

ClinVar aggregate classification (germline): Uncertain significance (1 of 4 stars; one submission).

Conditions:
Hereditary spastic paraplegia 35. Also called: LEUKODYSTROPHY, DYSMYELINATING, AND SPASTIC PARAPARESIS WITH OR WITHOUT DYSTONIA; Spastic paraplegia 35, autosomal recessive; SPASTIC PARAPLEGIA 35, AUTOSOMAL RECESSIVE, WITH OR WITHOUT NEURODEGENERATION; Spastic paraplegia 35. Identifiers: Orphanet 171629, MedGen C3496228, MONDO:0012866, OMIM 612319.

gnomAD v4.1: 1 of 1,596,694 alleles (0.000063%); highest among the groups gnomAD compares: Non-Finnish European, 0.000085%; no homozygotes.

Submission:

Institute of Human Genetics, University of Goettingen
Classification: Uncertain significance for Hereditary spastic paraplegia 35. Last evaluated: 2022-05-20. Review status: criteria provided, single submitter. Criteria: ACMG Guidelines, 2015. Collection method: clinical testing. Allele origin: unknown. Inheritance: Autosomal recessive inheritance. Observed: 1 compound heterozygote.
Comment: For the following reasons, we consider only the heterozygous variant c.821C>A in the FA2H gene as a "variant of unclear significance" (VUS) with possibly pathogenic character, whereas the mutation c.115_121del is assessed by us as probably pathogenic: a comparison with the gnomAD browser did not provide any evidence that these sequence changes are norm variants detectable also in non-affected individuals. Neither variant is currently listed in ClinVar or the HGMD database; the c.115_121del mutation (most)likely results in a truncated protein; the c.821C>A sequence variant is independently classified as defective by four prediction programs; the following ACMG criteria were applied for classification: - c.115_121del (p.(Phe39Glyfs*58)): PVS1_Very Strong, PM2. - c.821C>A (p.(Pro274His)): PM1, PM2, PP3, BP1.